The following is an entry in ClinVar:

ClinVar aggregate classification (germline): Benign. Review status: criteria provided, single submitter (1 of 4 stars). 2 submissions from 2 submitters: Benign (1). 1 of the submissions does not count toward it. Last evaluated 2024-12-01.

Conditions:
KCNQ1-related disorder. Also called: KCNQ1-related condition; KCNQ1-related disorders. Identifiers: MedGen CN239322.

Allele frequency attached by ClinVar (database versions not stated): 1000 Genomes Project 30x 0.00016; gnomAD 0.00133; gnomAD exomes 0.00173.
gnomAD v4.1: 622 of 398,430 alleles (0.16%); highest among the groups gnomAD compares: Non-Finnish European, 0.24%; 2 homozygotes.

Submissions (2):

CeGaT Center for Human Genetics Tuebingen
Classification: Benign. Last evaluated: 2024-12-01. Review status: criteria provided, single submitter. Criteria: CeGaT Center For Human Genetics Tuebingen Variant Classification Criteria Version 2. Collection method: clinical testing. Allele origin: germline. Affected: yes. Observed: 8 variant alleles.
Comment: KCNQ1OT1: BS1, BS2

PreventionGenetics, part of Exact Sciences
Classification: Likely benign for KCNQ1-related condition. Last evaluated: 2022-07-11. Review status: no assertion criteria provided. Collection method: clinical testing. Allele origin: germline. Not counted in ClinVar's aggregate classification.
Comment: This variant is classified as likely benign based on ACMG/AMP sequence variant interpretation guidelines (Richards et al. 2015 PMID: 25741868, with internal and published modifications).

NM_000218.3(KCNQ1):c.1393+20618A>C

Genes: KCNQ1 (potassium voltage-gated channel subfamily Q member 1; plus strand), KCNQ1OT1 (KCNQ1 opposite strand/antisense transcript 1; minus strand). Cytogenetic location: 11p15.5.
Variant type: single nucleotide variant.
Coding change: c.1393+20618A>C on transcript NM_000218.3 (MANE Select); 20618 bases into the intron after coding-DNA position 1393, A replaced by C.
Molecular consequence: intron variant. On other transcripts: non-coding transcript variant (1).
Genome position (GRCh38, 1-based): chr11:2,609,472, A>C. VCF-style: chr11-2609472-A-C. GRCh37 (hg19) VCF-style: chr11-2630702-A-C.
Other names: c.1393+20618A>C (NM_000218.2); c.1123+20618A>C (NM_001406837.1); c.1297+20618A>C (NM_001406836.1); c.853+20618A>C (NM_001406838.1); c.1012+20618A>C (NM_181798.2).
Identifiers: ClinVar variation 2641363 (VCV002641363.25), dbSNP rs558913241, ClinGen allele CA216355680.